The following is an entry in ClinVar:

NM_000377.3(WAS):c.1364C>T (p.Ala455Val)

Gene: WAS (WASP actin nucleation promoting factor; plus strand). Cytogenetic location: Xp11.23.
Variant type: single nucleotide variant.
Coding change: c.1364C>T on transcript NM_000377.3 (MANE Select); coding-DNA position 1364, C replaced by T.
Protein change: p.Ala455Val; replaces alanine 455 with valine.
Molecular consequence: missense variant.
Genome position (GRCh38, 1-based): chrX:48,689,345, C>T. VCF-style: chrX-48689345-C-T. GRCh37 (hg19) VCF-style: chrX-48547734-C-T.
Other names: short protein forms A455V.
Identifiers: ClinVar variation 1313205 (VCV001313205.2), dbSNP rs1347193089, ClinGen allele CA412873827.

ClinVar aggregate classification (germline): Uncertain significance (1 of 4 stars; one submission).

Allele frequency attached by ClinVar (database versions not stated): TOPMed below 0.00001; gnomAD 0.00001; gnomAD exomes 0.00001.
gnomAD v4.1: 15 of 1,205,196 alleles (0.0012%); highest among the groups gnomAD compares: Non-Finnish European, 0.0017%; no homozygotes.

Submission:

GeneDx
Classification: Uncertain significance. Last evaluated: 2020-09-25. Review status: criteria provided, single submitter. Criteria: GeneDx Variant Classification Process June 2021. Collection method: clinical testing. Allele origin: germline. Affected: yes.
Comment: In silico analysis supports that this missense variant does not alter protein structure/function; Has not been previously published as pathogenic or benign to our knowledge